The following is an entry in ClinVar:

NM_001267550.2(TTN):c.83133G>A (p.Lys27711=)

Genes: TTN (titin; minus strand), TTN-AS1 (TTN antisense RNA 1; plus strand). Cytogenetic location: 2q31.2.
Variant type: single nucleotide variant.
Coding change: c.83133G>A on transcript NM_001267550.2 (MANE Select); coding-DNA position 83133, G replaced by A.
Protein change: p.Lys27711=; no amino-acid change (lysine 27711 retained).
Molecular consequence: synonymous variant.
Genome position (GRCh38, 1-based): chr2:178,562,999, C>T on the plus strand (G>A on the coding strand, the complement: TTN is on the minus strand). VCF-style: chr2-178562999-C-T. GRCh37 (hg19) VCF-style: chr2-179427726-C-T.
Other names: p.K26070K:AAG>AAA; c.78210G>A, p.Lys26070= (NM_001256850.1); c.55938G>A, p.Lys18646= (NM_003319.4); c.75429G>A, p.Lys25143= (NM_133378.4); c.56313G>A, p.Lys18771= (NM_133432.3); c.56514G>A, p.Lys18838= (NM_133437.4).
Identifiers: ClinVar variation 137809 (VCV000137809.32), dbSNP rs369223412, ClinGen allele CA291472.

ClinVar aggregate classification (germline): Conflicting classifications of pathogenicity. Review status: criteria provided, conflicting classifications (1 of 4 stars). 13 submissions from 13 submitters: Uncertain significance (1); Benign (2); Likely benign (6). 4 of the submissions do not count toward it. Last evaluated 2026-08-01.

Conditions:
Cardiovascular phenotype. Identifiers: MedGen CN230736.
Dilated cardiomyopathy 1G (CMD1G). Identifiers: Orphanet 154, MedGen C1858763, MONDO:0011400, OMIM 604145.
Autosomal recessive limb-girdle muscular dystrophy type 2J (LGMDR10). Also called: Limb-girdle muscular dystrophy, type 2J; MUSCULAR DYSTROPHY, LIMB-GIRDLE, AUTOSOMAL RECESSIVE 10. Identifiers: Orphanet 140922, MedGen C1837342, MONDO:0012127, OMIM 608807.
Cardiomyopathy (CMYO). Also called: Cardiomyopathies. Identifiers: Orphanet 167848, MedGen C0878544, MONDO:0004994, HP:0001638. Inheritance: Various modes of inheritance.

Allele frequency attached by ClinVar (database versions not stated): ESP Exome Variant Server 0.00008; gnomAD 0.00020 and 0.00026; TOPMed 0.00023; gnomAD exomes 0.00032 and 0.00027; ExAC 0.00043.
gnomAD v4.1: 426 of 1,613,558 alleles (0.026%); highest among the groups gnomAD compares: Non-Finnish European, 0.034%; no homozygotes.

Submissions (13):

CeGaT Center for Human Genetics Tuebingen
Classification: Likely benign. Last evaluated: 2026-08-01. Review status: criteria provided, single submitter. Criteria: CeGaT Center For Human Genetics Tuebingen Variant Classification Criteria Version 2. Collection method: clinical testing. Allele origin: germline. Affected: yes. Observed: 1 variant allele.
Comment: TTN: BP4, BP7

Labcorp Genetics (formerly Invitae), Labcorp
Classification: Likely benign for Dilated cardiomyopathy 1G; Autosomal recessive limb-girdle muscular dystrophy type 2J. Last evaluated: 2026-01-26. Review status: criteria provided, single submitter. Criteria: Invitae Variant Classification Sherloc (09022015). Collection method: clinical testing. Allele origin: germline.

Molecular Diagnostic Laboratory for Inherited Cardiovascular Disease, Montreal Heart Institute
Classification: Likely benign. Last evaluated: 2025-04-09. Review status: criteria provided, single submitter. Criteria: ACMG Guidelines, 2015. Collection method: clinical testing. Allele origin: germline. Affected: no.

Blueprint Genetics
Classification: Likely benign. Last evaluated: 2024-11-06. Review status: criteria provided, single submitter. Criteria: ACMG Guidelines, 2015. Collection method: clinical testing. Allele origin: germline.

CHEO Genetics Diagnostic Laboratory, Children's Hospital of Eastern Ontario
Classification: Likely benign for Cardiomyopathy. Last evaluated: 2022-10-11. Review status: criteria provided, single submitter. Criteria: ACMG Guidelines, 2015. Collection method: clinical testing. Allele origin: germline.

Ambry Genetics
Classification: Likely benign for Cardiovascular phenotype. Last evaluated: 2019-09-30. Review status: criteria provided, single submitter. Criteria: Ambry Variant Classification Scheme 2023. Collection method: clinical testing. Allele origin: germline.

Athena Diagnostics
Classification: Benign. Last evaluated: 2018-05-03. Review status: criteria provided, single submitter. Criteria: Athena Diagnostics Criteria. Collection method: clinical testing. Allele origin: germline.

Eurofins Ntd Llc (ga)
Classification: Uncertain significance. Last evaluated: 2017-11-16. Review status: criteria provided, single submitter. Criteria: EGL Classification Definitions 2015. Collection method: clinical testing. Allele origin: germline. Observed: 3 variant alleles, 3 heterozygotes.

GeneDx
Classification: Benign. Last evaluated: 2013-08-12. Review status: criteria provided, single submitter. Criteria: GeneDx Variant Classification (06012015). Collection method: clinical testing. Allele origin: germline. Affected: yes.
Comment: This variant is considered likely benign or benign based on one or more of the following criteria: it is a conservative change, it occurs at a poorly conserved position in the protein, it is predicted to be benign by multiple in silico algorithms, and/or has population frequency not consistent with disease.

Clinical Genetics, Academic Medical Center
Classification: Benign. Review status: no assertion criteria provided. Collection method: clinical testing. Allele origin: germline. Affected: yes. Study: VKGL Data-share Consensus. Not counted in ClinVar's aggregate classification.

Diagnostic Laboratory, Department of Genetics, University Medical Center Groningen
Classification: Likely benign. Review status: no assertion criteria provided. Collection method: clinical testing. Allele origin: germline. Affected: yes. Study: VKGL Data-share Consensus. Not counted in ClinVar's aggregate classification.

Genome Diagnostics Laboratory, University Medical Center Utrecht
Classification: Benign. Review status: no assertion criteria provided. Collection method: clinical testing. Allele origin: germline. Affected: yes. Study: VKGL Data-share Consensus. Not counted in ClinVar's aggregate classification.

Joint Genome Diagnostic Labs from Nijmegen and Maastricht, Radboudumc and MUMC+
Classification: Benign. Review status: no assertion criteria provided. Collection method: clinical testing. Allele origin: germline. Affected: yes. Study: VKGL Data-share Consensus. Not counted in ClinVar's aggregate classification.